The following is an entry in ClinVar:

ClinVar aggregate classification (germline): Uncertain significance. Review status: criteria provided, multiple submitters, no conflicts (2 of 4 stars). 2 submissions from 2 submitters: Uncertain significance (2). Last evaluated 2025-03-28.

Allele frequency attached by ClinVar (database versions not stated): gnomAD exomes below 0.00001; TOPMed below 0.00001.
gnomAD v4.1: 3 of 1,613,988 alleles (0.00019%); highest among the groups gnomAD compares: Admixed American, 0.0033%; no homozygotes.

Submissions (2):

Ambry Genetics
Classification: Uncertain significance. Last evaluated: 2025-03-28. Review status: criteria provided, single submitter. Criteria: Ambry Variant Classification Scheme 2023. Collection method: clinical testing. Allele origin: germline.

Labcorp Genetics (formerly Invitae), Labcorp
Classification: Uncertain significance. Last evaluated: 2022-08-31. Review status: criteria provided, single submitter. Criteria: Invitae Variant Classification Sherloc (09022015). Collection method: clinical testing. Allele origin: germline.
Comment: This sequence change replaces proline, which is neutral and non-polar, with serine, which is neutral and polar, at codon 811 of the ELP1 protein (p.Pro811Ser). This variant is present in population databases (no rsID available, gnomAD no frequency). This variant has not been reported in the literature in individuals affected with ELP1-related conditions. ClinVar contains an entry for this variant (Variation ID: 1464479). Algorithms developed to predict the effect of missense changes on protein structure and function output the following: SIFT: "Tolerated"; PolyPhen-2: "Benign"; Align-GVGD: "Class C0". The serine amino acid residue is found in multiple mammalian species, which suggests that this missense change does not adversely affect protein function. In summary, the available evidence is currently insufficient to determine the role of this variant in disease. Therefore, it has been classified as a Variant of Uncertain Significance.

NM_003640.5(ELP1):c.2431C>T (p.Pro811Ser)

Gene: ELP1 (elongator acetyltransferase complex subunit 1; minus strand). Cytogenetic location: 9q31.3.
Variant type: single nucleotide variant.
Coding change: c.2431C>T on transcript NM_003640.5 (MANE Select); coding-DNA position 2431, C replaced by T.
Protein change: p.Pro811Ser; replaces proline 811 with serine.
Molecular consequence: missense variant.
Genome position (GRCh38, 1-based): chr9:108,897,218, G>A on the plus strand (C>T on the coding strand, the complement: ELP1 is on the minus strand). VCF-style: chr9-108897218-G-A. GRCh37 (hg19) VCF-style: chr9-111659498-G-A.
Other names: c.2089C>T, p.Pro697Ser (NM_001318360.2); c.1384C>T, p.Pro462Ser (NM_001330749.2); c.2431C>T (NM_003640.3); short protein forms P811S, P462S, P697S.
Identifiers: ClinVar variation 1464479 (VCV001464479.4), dbSNP rs765376716, ClinGen allele CA374421321.
Genomic context (GRCh38, chr9:108,897,218, plus strand): 5'-TTATGCTCTCCATGACTGCTCTCATAGCATCGCAGACAAGGTCTATTTTATTCCCGTCAG[G>A]ATCCCTGGACAGGTAGACACTGCTGGTAACTGGTGCAGGGTACATGGTCTTCGTGACATC-3'
Protein context (NP_003631.2, residues 801-821): VTSSVYLSRD[Pro811Ser]DGNKIDLVCD